The following is an entry in ClinVar:

ClinVar aggregate classification (germline): Uncertain significance (1 of 4 stars; one submission).

Submission:

Labcorp Genetics (formerly Invitae), Labcorp
Classification: Uncertain significance. Last evaluated: 2021-07-07. Review status: criteria provided, single submitter. Criteria: Invitae Variant Classification Sherloc (09022015). Collection method: clinical testing. Allele origin: germline.
Comment: The frequency data for this variant in the population databases is considered unreliable, as metrics indicate insufficient coverage at this position in the ExAC database. This sequence change replaces valine with alanine at codon 258 of the TYMP protein (p.Val258Ala). The valine residue is moderately conserved and there is a small physicochemical difference between valine and alanine. This variant has not been reported in the literature in individuals affected with TYMP-related conditions. Advanced modeling of protein sequence and biophysical properties (such as structural, functional, and spatial information, amino acid conservation, physicochemical variation, residue mobility, and thermodynamic stability) performed at Invitae indicates that this missense variant is not expected to disrupt TYMP protein function. In summary, the available evidence is currently insufficient to determine the role of this variant in disease. Therefore, it has been classified as a Variant of Uncertain Significance.

NM_001953.5(TYMP):c.773T>C (p.Val258Ala)

Gene: TYMP (thymidine phosphorylase; minus strand). Cytogenetic location: 22q13.33.
Variant type: single nucleotide variant.
Coding change: c.773T>C on transcript NM_001953.5 (MANE Select); coding-DNA position 773, T replaced by C.
Protein change: p.Val258Ala; replaces valine 258 with alanine.
Molecular consequence: missense variant.
Genome position (GRCh38, 1-based): chr22:50,526,731, A>G on the plus strand (T>C on the coding strand, the complement: TYMP is on the minus strand). VCF-style: chr22-50526731-A-G. GRCh37 (hg19) VCF-style: chr22-50965160-A-G.
Other names: c.773T>C, p.Val258Ala (NM_001113755.3, NM_001113756.3, NM_001257988.1 and 1 more transcripts); short protein forms V258A.
Identifiers: ClinVar variation 1517515 (VCV001517515.8), dbSNP rs2148678919, ClinGen allele CA412199603.